The following is an entry in ClinVar:

NM_000038.6(APC):c.7750G>T (p.Ala2584Ser)

Gene: APC (APC regulator of Wnt signaling pathway; plus strand). Cytogenetic location: 5q22.2.
Variant type: single nucleotide variant.
Coding change: c.7750G>T on transcript NM_000038.6 (MANE Select); coding-DNA position 7750, G replaced by T.
Protein change: p.Ala2584Ser; replaces alanine 2584 with serine.
Molecular consequence: missense variant.
Genome position (GRCh38, 1-based): chr5:112,843,344, G>T. VCF-style: chr5-112843344-G-T. GRCh37 (hg19) VCF-style: chr5-112179041-G-T.
Other names: c.7750G>T, p.Ala2584Ser (NM_001127510.3, NM_001354895.2); c.7696G>T, p.Ala2566Ser (NM_001127511.3); c.7804G>T, p.Ala2602Ser (NM_001354896.2); c.7780G>T, p.Ala2594Ser (NM_001354897.2); c.7675G>T, p.Ala2559Ser (NM_001354898.2); c.7666G>T, p.Ala2556Ser (NM_001354899.2); c.7627G>T, p.Ala2543Ser (NM_001354900.2); c.7573G>T, p.Ala2525Ser (NM_001354901.2); and 5 more; short protein forms A2458S, A2559S, A2584S, A2301S, A2493S, A2543S, A2594S, A2424S.
Identifiers: ClinVar variation 926122 (VCV000926122.5), dbSNP rs763786323, ClinGen allele CA16038165.

ClinVar aggregate classification (germline): Uncertain significance. Review status: criteria provided, multiple submitters, no conflicts (2 of 4 stars). 2 submissions from 2 submitters: Uncertain significance (2). Last evaluated 2024-10-11.

Conditions:
Hereditary cancer-predisposing syndrome. Also called: Neoplastic Syndromes, Hereditary; Tumor predisposition; Hereditary Cancer Syndrome; Hereditary neoplastic syndrome. Identifiers: Orphanet 140162, MedGen C0027672, MeSH D009386, MONDO:0015356.

Submissions (2):

Ambry Genetics
Classification: Uncertain significance for Hereditary cancer-predisposing syndrome. Last evaluated: 2024-10-11. Review status: criteria provided, single submitter. Criteria: Ambry Variant Classification Scheme 2023. Collection method: clinical testing. Allele origin: germline.
Comment: The p.A2584S variant (also known as c.7750G>T), located in coding exon 15 of the APC gene, results from a G to T substitution at nucleotide position 7750. The alanine at codon 2584 is replaced by serine, an amino acid with similar properties. This amino acid position is conserved. In addition, in silico predictors for this gene do not accurately predict pathogenicity. Based on the available evidence, the clinical significance of this variant remains unclear.

Color Diagnostics, LLC DBA Color Health
Classification: Uncertain significance for Hereditary cancer-predisposing syndrome. Last evaluated: 2023-12-05. Review status: criteria provided, single submitter. Criteria: ACMG Guidelines, 2015. Collection method: clinical testing. Allele origin: germline.
Comment: This missense variant replaces alanine with serine at codon 2584 of the APC protein. Computational prediction suggests that this variant may not impact protein structure and function (internally defined REVEL score threshold <= 0.5, PMID: 27666373). To our knowledge, functional studies have not been reported for this variant. This variant has not been reported in individuals affected with APC-related disorders in the literature. This variant has not been identified in the general population by the Genome Aggregation Database (gnomAD). The available evidence is insufficient to determine the role of this variant in disease conclusively. Therefore, this variant is classified as a Variant of Uncertain Significance.